The following is an entry in ClinVar:

NM_138387.4(G6PC3):c.1032C>G (p.His344Gln)

Gene: G6PC3 (glucose-6-phosphatase catalytic subunit 3; plus strand). Cytogenetic location: 17q21.31.
Variant type: single nucleotide variant.
Coding change: c.1032C>G on transcript NM_138387.4 (MANE Select); coding-DNA position 1032, C replaced by G.
Protein change: p.His344Gln; replaces histidine 344 with glutamine.
Molecular consequence: missense variant. On other transcripts: 3 prime UTR variant (1).
Genome position (GRCh38, 1-based): chr17:44,076,034, C>G. VCF-style: chr17-44076034-C-G. GRCh37 (hg19) VCF-style: chr17-42153402-C-G.
Other names: c.*325C>G (NM_001319945.2); c.687C>G, p.His229Gln (NM_001384165.1, NM_001384166.1, NM_001384167.1 and 1 more transcripts); short protein forms H229Q, H344Q.
Identifiers: ClinVar variation 4027569 (VCV004027569.1).

ClinVar aggregate classification (germline): Uncertain significance (1 of 4 stars; one submission).

Conditions:
Inborn genetic diseases. Identifiers: MedGen C0950123, MeSH D030342.

Submission:

Ambry Genetics
Classification: Uncertain significance for Inborn genetic diseases. Last evaluated: 2025-03-30. Review status: criteria provided, single submitter. Criteria: Ambry Variant Classification Scheme 2023. Collection method: clinical testing. Allele origin: germline.
Comment: The p.H344Q variant (also known as c.1032C>G), located in coding exon 6 of the G6PC3 gene, results from a C to G substitution at nucleotide position 1032. The histidine at codon 344 is replaced by glutamine, an amino acid with highly similar properties. This amino acid position is conserved. In addition, this alteration is predicted to be tolerated by in silico analysis. Based on the available evidence, the clinical significance of this variant remains unclear.